The following is an entry in ClinVar:

ClinVar aggregate classification (germline): Benign. Review status: criteria provided, multiple submitters, no conflicts (2 of 4 stars). 2 submissions from 2 submitters: Benign (2). Last evaluated 2018-06-19.

Allele frequency attached by ClinVar (database versions not stated): 1000 Genomes Project 0.13798; 1000 Genomes Project 30x 0.13991; gnomAD 0.14352 and 0.14781; TOPMed 0.14957.
gnomAD v4.1: 21,767 of 152,048 alleles (14%); highest among the groups gnomAD compares: African/African-American, 28%; 2,136 homozygotes.

Submissions (2):

GeneDx
Classification: Benign. Last evaluated: 2018-06-19. Review status: criteria provided, single submitter. Criteria: GeneDx Variant Classification (06012015). Collection method: clinical testing. Allele origin: germline. Affected: yes.
Comment: This variant is considered likely benign or benign based on one or more of the following criteria: it is a conservative change, it occurs at a poorly conserved position in the protein, it is predicted to be benign by multiple in silico algorithms, and/or has population frequency not consistent with disease.

Breakthrough Genomics
Classification: Benign. Review status: criteria provided, single submitter. Criteria: ACMG Guidelines, 2015. Collection method: not provided. Allele origin: germline. Inheritance: Autosomal recessive inheritance. Affected: yes.

NM_001082538.3(TCTN1):c.1+182A>G

Gene: TCTN1 (tectonic family member 1; plus strand). Cytogenetic location: 12q24.11.
Variant type: single nucleotide variant.
Coding change: c.1+182A>G on transcript NM_001082538.3 (MANE Select); 182 bases into the intron after coding-DNA position 1, A replaced by G.
Molecular consequence: intron variant.
Genome position (GRCh38, 1-based): chr12:110,648,075, A>G. VCF-style: chr12-110648075-A-G. GRCh37 (hg19) VCF-style: chr12-111085880-A-G.
Other names: c.1+182A>G (NM_001173975.3, NM_001173976.2, NM_001319681.2 and 3 more transcripts).
Identifiers: ClinVar variation 672227 (VCV000672227.2), dbSNP rs2055466, ClinGen allele CA16455792.